The following is an entry in ClinVar:

ClinVar aggregate classification (germline): Uncertain significance (1 of 4 stars; one submission).

Conditions:
Developmental and epileptic encephalopathy, 53. Also called: Epileptic encephalopathy, early infantile, 53. Identifiers: MedGen C4479313, MONDO:0033362, OMIM 617389.
Early-onset Parkinson disease 20. Also called: PARKINSON DISEASE 20, AUTOSOMAL RECESSIVE EARLY-ONSET. Identifiers: Orphanet 391411, MedGen C3809824, MONDO:0014233, OMIM 615530.

Submission:

Labcorp Genetics (formerly Invitae), Labcorp
Classification: Uncertain significance for Developmental and epileptic encephalopathy, 53; Early-onset Parkinson disease 20. Last evaluated: 2022-08-19. Review status: criteria provided, single submitter. Criteria: Invitae Variant Classification Sherloc (09022015). Collection method: clinical testing. Allele origin: germline.
Comment: In summary, the available evidence is currently insufficient to determine the role of this variant in disease. Therefore, it has been classified as a Variant of Uncertain Significance. Algorithms developed to predict the effect of missense changes on protein structure and function output the following: SIFT: "Tolerated"; PolyPhen-2: "Benign"; Align-GVGD: "Class C0". The glycine amino acid residue is found in multiple mammalian species, which suggests that this missense change does not adversely affect protein function. This variant has not been reported in the literature in individuals affected with SYNJ1-related conditions. This variant is not present in population databases (gnomAD no frequency). This sequence change replaces serine, which is neutral and polar, with glycine, which is neutral and non-polar, at codon 1026 of the SYNJ1 protein (p.Ser1026Gly).

NM_203446.3(SYNJ1):c.2959A>G (p.Ser987Gly)

Gene: SYNJ1 (synaptojanin 1; minus strand). Cytogenetic location: 21q22.11.
Variant type: single nucleotide variant.
Coding change: c.2959A>G on transcript NM_203446.3 (MANE Select); coding-DNA position 2959, A replaced by G.
Protein change: p.Ser987Gly; replaces serine 987 with glycine.
Molecular consequence: missense variant.
Genome position (GRCh38, 1-based): chr21:32,650,262, T>C on the plus strand (A>G on the coding strand, the complement: SYNJ1 is on the minus strand). VCF-style: chr21-32650262-T-C. GRCh37 (hg19) VCF-style: chr21-34022572-T-C.
Other names: c.2959A>G, p.Ser987Gly (NM_001160302.2); c.2944A>G, p.Ser982Gly (NM_001160306.2); c.3076A>G, p.Ser1026Gly (NM_003895.4); short protein forms S982G, S987G, S1026G.
Identifiers: ClinVar variation 1957143 (VCV001957143.5), dbSNP rs2517472847, ClinGen allele CA410070611.